The following is an entry in ClinVar:

ClinVar aggregate classification (germline): Uncertain significance (1 of 4 stars; one submission).

Conditions:
Glycogen storage disease, type II (IOPD). Also called: ACID ALPHA-GLUCOSIDASE DEFICIENCY, INFANTILE-ONSET; GAA DEFICIENCY, INFANTILE-ONSET; ACID MALTASE DEFICIENCY, INFANTILE-ONSET; POMPE DISEASE, INFANTILE-ONSET; GLYCOGEN STORAGE DISEASE II, INFANTILE-ONSET; CARDIOMEGALIA GLYCOGENICA DIFFUSA. Identifiers: Orphanet 365, MedGen C0017921, MONDO:0009290, OMIM 232300.

Allele frequency attached by ClinVar (database versions not stated): ExAC 0.00001.

Submission:

Labcorp Genetics (formerly Invitae), Labcorp
Classification: Uncertain significance for Glycogen storage disease, type II. Last evaluated: 2021-10-14. Review status: criteria provided, single submitter. Criteria: Invitae Variant Classification Sherloc (09022015). Collection method: clinical testing. Allele origin: germline.
Comment: This sequence change replaces threonine with proline at codon 806 of the GAA protein (p.Thr806Pro). The threonine residue is moderately conserved and there is a small physicochemical difference between threonine and proline. This variant is present in population databases (rs777342777, ExAC 0.002%). This variant has not been reported in the literature in individuals affected with GAA-related conditions. Advanced modeling of protein sequence and biophysical properties (such as structural, functional, and spatial information, amino acid conservation, physicochemical variation, residue mobility, and thermodynamic stability) performed at Invitae indicates that this missense variant is not expected to disrupt GAA protein function. In summary, the available evidence is currently insufficient to determine the role of this variant in disease. Therefore, it has been classified as a Variant of Uncertain Significance.

NM_000152.5(GAA):c.2416A>C (p.Thr806Pro)

Gene: GAA (alpha glucosidase; plus strand). Cytogenetic location: 17q25.3.
Variant type: single nucleotide variant.
Coding change: c.2416A>C on transcript NM_000152.5 (MANE Select); coding-DNA position 2416, A replaced by C.
Protein change: p.Thr806Pro; replaces threonine 806 with proline.
Molecular consequence: missense variant.
Genome position (GRCh38, 1-based): chr17:80,117,684, A>C. VCF-style: chr17-80117684-A-C. GRCh37 (hg19) VCF-style: chr17-78091483-A-C.
Other names: c.2416A>C, p.Thr806Pro (NM_001079803.3, NM_001079804.3, NM_001406741.1 and 1 more transcripts); short protein forms T806P.
Identifiers: ClinVar variation 2166759 (VCV002166759.1), dbSNP rs777342777, ClinGen allele CA8815733.